The following is an entry in ClinVar:

ClinVar aggregate classification (germline): Uncertain significance (1 of 4 stars; one submission).

Conditions:
Amyotrophic lateral sclerosis type 1 (ALS1). Also called: AMYOTROPHIC LATERAL SCLEROSIS 1, FAMILIAL. Identifiers: Orphanet 803, MedGen C1862939, MONDO:0007103, OMIM 105400.
Neuronopathy, distal hereditary motor, type 7B. Also called: NEURONOPATHY, DISTAL HEREDITARY MOTOR, HARDING TYPE VIIB; NEUROPATHY, DISTAL HEREDITARY MOTOR, HARDING TYPE VIIB; NEUROPATHY, DISTAL HEREDITARY MOTOR, WITH VOCAL CORD PARALYSIS, HARDING TYPE VIIB; NEURONOPATHY, DISTAL HEREDITARY MOTOR, AUTOSOMAL DOMINANT 14; HMN VIIB; LOWER MOTOR NEURON DISEASE, DYNACTIN TYPE. Identifiers: Orphanet 139589, MedGen C1843315, MONDO:0011879, OMIM 607641.
Perry syndrome. Also called: PARKINSONISM WITH ALVEOLAR HYPOVENTILATION AND MENTAL DEPRESSION. Identifiers: Orphanet 178509, MedGen C1868594, MONDO:0008201, OMIM 168605.

Allele frequency attached by ClinVar (database versions not stated): gnomAD exomes below 0.00001; ExAC 0.00001.

Submission:

Labcorp Genetics (formerly Invitae), Labcorp
Classification: Uncertain significance for Amyotrophic lateral sclerosis type 1; Neuronopathy, distal hereditary motor, type 7B; Perry syndrome. Last evaluated: 2025-03-31. Review status: criteria provided, single submitter. Criteria: Invitae Variant Classification Sherloc (09022015). Collection method: clinical testing. Allele origin: germline.
Comment: This sequence change replaces lysine, which is basic and polar, with arginine, which is basic and polar, at codon 284 of the DCTN1 protein (p.Lys284Arg). This variant is present in population databases (rs755017882, gnomAD 0.0009%). This variant has not been reported in the literature in individuals affected with DCTN1-related conditions. ClinVar contains an entry for this variant (Variation ID: 639176). Invitae Evidence Modeling of protein sequence and biophysical properties (such as structural, functional, and spatial information, amino acid conservation, physicochemical variation, residue mobility, and thermodynamic stability) indicates that this missense variant is not expected to disrupt DCTN1 protein function with a negative predictive value of 95%. In summary, the available evidence is currently insufficient to determine the role of this variant in disease. Therefore, it has been classified as a Variant of Uncertain Significance.

NM_004082.5(DCTN1):c.851A>G (p.Lys284Arg)

Gene: DCTN1 (dynactin subunit 1; minus strand). Cytogenetic location: 2p13.1.
Variant type: single nucleotide variant.
Coding change: c.851A>G on transcript NM_004082.5 (MANE Select); coding-DNA position 851, A replaced by G.
Protein change: p.Lys284Arg; replaces lysine 284 with arginine.
Molecular consequence: missense variant. On other transcripts: non-coding transcript variant (1).
Genome position (GRCh38, 1-based): chr2:74,370,818, T>C on the plus strand (A>G on the coding strand, the complement: DCTN1 is on the minus strand). VCF-style: chr2-74370818-T-C. GRCh37 (hg19) VCF-style: chr2-74597945-T-C.
Other names: c.791A>G, p.Lys264Arg (NM_001135040.3); c.449A>G, p.Lys150Arg (NM_001135041.3, NM_023019.4); c.740A>G, p.Lys247Arg (NM_001190836.2); c.830A>G, p.Lys277Arg (NM_001190837.2); c.800A>G, p.Lys267Arg (NM_001378991.1); c.782A>G, p.Lys261Arg (NM_001378992.1); short protein forms K284R, K150R, K247R, K264R, K277R, K261R, K267R.
Identifiers: ClinVar variation 639176 (VCV000639176.9), dbSNP rs755017882, ClinGen allele CA1722294.
Genomic context (GRCh38, chr2:74,370,818, plus strand): 5'-ATGGCATCAGCAGTATCAGCCATCTCCTCCATATAGCGTTCCTTTGCCTCCAGCGCCTCC[T>C]TGGCTTCCTGAGGAAGAAGTGGAGGTGGGAGGGGGTACCAGCACAGAGATGCCCCAGGCC-3'
Protein context (NP_004073.2, residues 274-294): RRLKEARKEA[Lys284Arg]EALEAKERYM